The following is an entry in ClinVar:

ClinVar aggregate classification (germline): Pathogenic (1 of 4 stars; one submission).

gnomAD v4.1: 4 of 1,613,470 alleles (0.00025%); highest among the groups gnomAD compares: Non-Finnish European, 0.00034%; no homozygotes.

Submission:

Labcorp Genetics (formerly Invitae), Labcorp
Classification: Pathogenic. Last evaluated: 2025-03-03. Review status: criteria provided, single submitter. Criteria: Invitae Variant Classification Sherloc (09022015). Collection method: clinical testing. Allele origin: germline.
Comment: This sequence change creates a premature translational stop signal (p.Ser980*) in the IARS gene. It is expected to result in an absent or disrupted protein product. Loss-of-function variants in IARS are known to be pathogenic (PMID: 27426735, 27891590). This variant is not present in population databases (gnomAD no frequency). This variant has not been reported in the literature in individuals affected with IARS-related conditions. ClinVar contains an entry for this variant (Variation ID: 2875559). For these reasons, this variant has been classified as Pathogenic.

Literature cited by the submitters: PubMed 27426735; PubMed 27891590.

NM_002161.6(IARS1):c.2939C>G (p.Ser980Ter)

Gene: IARS1 (isoleucyl-tRNA synthetase 1; minus strand). Cytogenetic location: 9q22.31.
Variant type: single nucleotide variant.
Coding change: c.2939C>G on transcript NM_002161.6 (MANE Select); coding-DNA position 2939, C replaced by G.
Protein change: p.Ser980Ter; replaces serine 980 with a stop codon.
Molecular consequence: nonsense. On other transcripts: non-coding transcript variant (1).
Genome position (GRCh38, 1-based): chr9:92,243,277, G>C on the plus strand (C>G on the coding strand, the complement: IARS1 is on the minus strand). VCF-style: chr9-92243277-G-C. GRCh37 (hg19) VCF-style: chr9-95005559-G-C.
Other names: c.2864C>G, p.Ser955Ter (NM_001374299.1, NM_001374300.1, NM_001378584.1); c.2855C>G, p.Ser952Ter (NM_001374301.1); c.3002C>G, p.Ser1001Ter (NM_001378569.1); c.2960C>G, p.Ser987Ter (NM_001378571.1); c.2939C>G, p.Ser980Ter (NM_001378572.1, NM_001378573.1, NM_001378574.1 and 9 more transcripts); c.2843C>G, p.Ser948Ter (NM_001378582.1); c.2816C>G, p.Ser939Ter (NM_001378583.1); short protein forms S948*, S952*, S939*, S987*, S1001*, S955*, S980*.
Identifiers: ClinVar variation 2875559 (VCV002875559.3), dbSNP rs1828715424, ClinGen allele CA373810019.
Genomic context (GRCh38, chr9:92,243,277, plus strand): 5'-TTTTTGCGAAGTTTCTGTATGCGATTGATGACTTCCCGAGCCATTCCTTCATCTACCATT[G>C]ACTGGTCAGGAGTGACATCTAAGAGGACCAAAGCCTGTGGGAATGAACAGTGCACACCAT-3'